The following is an entry in ClinVar:

ClinVar aggregate classification (germline): Uncertain significance (1 of 4 stars; one submission).

Conditions:
Luscan-Lumish syndrome. Identifiers: Orphanet 597738, MedGen C4085873, MONDO:0014791, OMIM 616831.

Allele frequency attached by ClinVar (database versions not stated): gnomAD 0.00001 and 0.00003; TOPMed 0.00005; ESP Exome Variant Server 0.00008.
gnomAD v4.1: 46 of 1,613,998 alleles (0.0029%); highest among the groups gnomAD compares: Admixed American, 0.005%; no homozygotes.

Submission:

Labcorp Genetics (formerly Invitae), Labcorp
Classification: Uncertain significance for Luscan-Lumish syndrome. Last evaluated: 2019-05-05. Review status: criteria provided, single submitter. Criteria: Invitae Variant Classification Sherloc (09022015). Collection method: clinical testing. Allele origin: germline.
Comment: In summary, the available evidence is currently insufficient to determine the role of this variant in disease. Therefore, it has been classified as a Variant of Uncertain Significance. This sequence change replaces serine with proline at codon 1359 of the SETD2 protein (p.Ser1359Pro). The serine residue is weakly conserved and there is a moderate physicochemical difference between serine and proline. This variant is present in population databases (rs369469691, ExAC 0.009%). This variant has not been reported in the literature in individuals with SETD2-related conditions. Algorithms developed to predict the effect of missense changes on protein structure and function (SIFT, PolyPhen-2, Align-GVGD) all suggest that this variant is likely to be tolerated, but these predictions have not been confirmed by published functional studies and their clinical significance is uncertain.

NM_014159.7(SETD2):c.4075T>C (p.Ser1359Pro)

Gene: SETD2 (SET domain containing 2, histone lysine methyltransferase; minus strand). Cytogenetic location: 3p21.31.
Variant type: single nucleotide variant.
Coding change: c.4075T>C on transcript NM_014159.7 (MANE Select); coding-DNA position 4075, T replaced by C.
Protein change: p.Ser1359Pro; replaces serine 1359 with proline.
Molecular consequence: missense variant. On other transcripts: non-coding transcript variant (1).
Genome position (GRCh38, 1-based): chr3:47,120,561, A>G on the plus strand (T>C on the coding strand, the complement: SETD2 is on the minus strand). VCF-style: chr3-47120561-A-G. GRCh37 (hg19) VCF-style: chr3-47162051-A-G.
Other names: c.3943T>C, p.Ser1315Pro (NM_001349370.3); short protein forms S1359P, S1315P.
Identifiers: ClinVar variation 946855 (VCV000946855.6), dbSNP rs369469691, ClinGen allele CA2363262.